The following is an entry in ClinVar:

NM_022124.6(CDH23):c.7759G>A (p.Gly2587Arg)

Gene: CDH23 (cadherin related 23; plus strand). Cytogenetic location: 10q22.1.
Variant type: single nucleotide variant.
Coding change: c.7759G>A on transcript NM_022124.6 (MANE Select); coding-DNA position 7759, G replaced by A.
Protein change: p.Gly2587Arg; replaces glycine 2587 with arginine.
Molecular consequence: missense variant.
Genome position (GRCh38, 1-based): chr10:71,803,307, G>A. VCF-style: chr10-71803307-G-A. GRCh37 (hg19) VCF-style: chr10-73563064-G-A.
Other names: c.1039G>A, p.Gly347Arg (NM_001171933.1, NM_001171934.1); short protein forms G2587R, G347R.
Identifiers: ClinVar variation 2411608 (VCV002411608.3), dbSNP rs760686178, ClinGen allele CA5546432.

ClinVar aggregate classification (germline): Uncertain significance. Review status: criteria provided, multiple submitters, no conflicts (2 of 4 stars). 2 submissions from 2 submitters: Uncertain significance (2). Last evaluated 2025-01-20.

Conditions:
Inborn genetic diseases. Identifiers: MedGen C0950123, MeSH D030342.

Allele frequency attached by ClinVar (database versions not stated): ExAC 0.00002.
gnomAD v4.1: 2 of 1,591,062 alleles (0.00013%); highest among the groups gnomAD compares: Middle Eastern, 0.017%; no homozygotes.

Submissions (2):

Labcorp Genetics (formerly Invitae), Labcorp
Classification: Uncertain significance. Last evaluated: 2025-01-20. Review status: criteria provided, single submitter. Criteria: Invitae Variant Classification Sherloc (09022015). Collection method: clinical testing. Allele origin: germline.
Comment: This sequence change replaces glycine, which is neutral and non-polar, with arginine, which is basic and polar, at codon 2587 of the CDH23 protein (p.Gly2587Arg). This variant is present in population databases (rs760686178, gnomAD 0.003%). This variant has not been reported in the literature in individuals affected with CDH23-related conditions. ClinVar contains an entry for this variant (Variation ID: 2411608). Invitae Evidence Modeling of protein sequence and biophysical properties (such as structural, functional, and spatial information, amino acid conservation, physicochemical variation, residue mobility, and thermodynamic stability) has been performed for this missense variant. However, the output from this modeling did not meet the statistical confidence thresholds required to predict the impact of this variant on CDH23 protein function. In summary, the available evidence is currently insufficient to determine the role of this variant in disease. Therefore, it has been classified as a Variant of Uncertain Significance.

Ambry Genetics
Classification: Uncertain significance for Inborn genetic diseases. Last evaluated: 2022-09-28. Review status: criteria provided, single submitter. Criteria: Ambry Variant Classification Scheme 2023. Collection method: clinical testing. Allele origin: germline.